The following is an entry in ClinVar:

NM_000384.3(APOB):c.8491T>C (p.Ser2831Pro)

Gene: APOB (apolipoprotein B; minus strand). Cytogenetic location: 2p24.1.
Variant type: single nucleotide variant.
Coding change: c.8491T>C on transcript NM_000384.3 (MANE Select); coding-DNA position 8491, T replaced by C.
Protein change: p.Ser2831Pro; replaces serine 2831 with proline.
Molecular consequence: missense variant.
Genome position (GRCh38, 1-based): chr2:21,008,377, A>G on the plus strand (T>C on the coding strand, the complement: APOB is on the minus strand). VCF-style: chr2-21008377-A-G. GRCh37 (hg19) VCF-style: chr2-21231249-A-G.
Other names: short protein forms S2831P.
Identifiers: ClinVar variation 3231464 (VCV003231464.1), dbSNP rs1663209084, ClinGen allele CA345994017.

ClinVar aggregate classification (germline): Uncertain significance (1 of 4 stars; one submission).

Conditions:
Cardiovascular phenotype. Identifiers: MedGen CN230736.

Allele frequency attached by ClinVar (database versions not stated): TOPMed 0.00001.

Submission:

Ambry Genetics
Classification: Uncertain significance for Cardiovascular phenotype. Last evaluated: 2023-10-10. Review status: criteria provided, single submitter. Criteria: Ambry Variant Classification Scheme 2023. Collection method: clinical testing. Allele origin: germline.
Comment: The p.S2831P variant (also known as c.8491T>C), located in coding exon 26 of the APOB gene, results from a T to C substitution at nucleotide position 8491. The serine at codon 2831 is replaced by proline, an amino acid with similar properties. This amino acid position is conserved. In addition, this alteration is predicted to be tolerated by in silico analysis. Since supporting evidence is limited at this time, the clinical significance of this alteration remains unclear.